The following is an entry in ClinVar:

NM_000368.5(TSC1):c.1679dup (p.Ser561fs)

Gene: TSC1 (TSC complex subunit 1; minus strand). Cytogenetic location: 9q34.13.
Variant type: Duplication.
Coding change: c.1679dup on transcript NM_000368.5 (MANE Select); coding-DNA position 1679, one base duplicated (G; older notation c.1679dupG).
Protein change: p.Ser561fs; shifts the reading frame from serine 561.
Molecular consequence: frameshift variant.
Genome position (GRCh38, 1-based): chr9:132,905,899, C duplicated on the plus strand (G on the coding strand, the reverse complement: TSC1 is on the minus strand); the first of 2 consecutive C bases (chr9:132,905,899-132,905,900); duplicating either gives the same sequence. VCF-style (leftmost placement, unchanged base first): chr9-132905898-G-GC. GRCh37 (hg19) VCF-style: chr9-135781285-G-GC.
Other names: c.1676dup, p.Ser560fs (NM_001162426.2); c.1526dup, p.Ser510fs (NM_001162427.2); c.1316dup, p.Ser440fs (NM_001362177.2); short protein forms S560fs, S440fs, S510fs, S561fs.
Identifiers: ClinVar variation 1456677 (VCV001456677.6), dbSNP rs2131833003, ClinGen allele CA2573144285.

ClinVar aggregate classification (germline): Pathogenic (1 of 4 stars; one submission).

Conditions:
Tuberous sclerosis 1 (TSC1). Identifiers: Orphanet 805, MedGen C1854465, MONDO:0008612, OMIM 191100.

Submission:

Labcorp Genetics (formerly Invitae), Labcorp
Classification: Pathogenic for Tuberous sclerosis 1. Last evaluated: 2021-08-19. Review status: criteria provided, single submitter. Criteria: Invitae Variant Classification Sherloc (09022015). Collection method: clinical testing. Allele origin: germline.
Comment: This variant has not been reported in the literature in individuals affected with TSC1-related conditions. This variant is not present in population databases (ExAC no frequency). This sequence change creates a premature translational stop signal (p.Ser561Glnfs*3) in the TSC1 gene. It is expected to result in an absent or disrupted protein product. Loss-of-function variants in TSC1 are known to be pathogenic (PMID: 10227394, 17304050). For these reasons, this variant has been classified as Pathogenic.

Literature cited by the submitters: PubMed 10227394; PubMed 17304050.